The following is an entry in ClinVar:

NM_002972.4(SBF1):c.3602G>A (p.Arg1201Gln)

Gene: SBF1 (SET binding factor 1; minus strand). Cytogenetic location: 22q13.33.
Variant type: single nucleotide variant.
Coding change: c.3602G>A on transcript NM_002972.4 (MANE Select); coding-DNA position 3602, G replaced by A.
Protein change: p.Arg1201Gln; replaces arginine 1201 with glutamine.
Molecular consequence: missense variant.
Genome position (GRCh38, 1-based): chr22:50,459,556, C>T on the plus strand (G>A on the coding strand, the complement: SBF1 is on the minus strand). VCF-style: chr22-50459556-C-T. GRCh37 (hg19) VCF-style: chr22-50897985-C-T.
Other names: c.3605G>A, p.Arg1202Gln (NM_001365819.1, NM_001410794.1); c.3602G>A, p.Arg1201Gln (NM_001410795.1, NM_197971.1); short protein forms R1201Q, R1202Q.
Identifiers: ClinVar variation 1979986 (VCV001979986.14), dbSNP rs762918599, ClinGen allele CA10316643.

ClinVar aggregate classification (germline): Uncertain significance. Review status: criteria provided, multiple submitters, no conflicts (2 of 4 stars). 2 submissions from 2 submitters: Uncertain significance (2). Last evaluated 2025-02-01.

Allele frequency attached by ClinVar (database versions not stated): TOPMed below 0.00001; gnomAD 0.00001.

Submissions (2):

CeGaT Center for Human Genetics Tuebingen
Classification: Uncertain significance. Last evaluated: 2025-02-01. Review status: criteria provided, single submitter. Criteria: CeGaT Center For Human Genetics Tuebingen Variant Classification Criteria Version 2. Collection method: clinical testing. Allele origin: germline. Affected: yes. Observed: 1 variant allele.
Comment: SBF1: PM2

Labcorp Genetics (formerly Invitae), Labcorp
Classification: Uncertain significance. Last evaluated: 2022-05-16. Review status: criteria provided, single submitter. Criteria: Invitae Variant Classification Sherloc (09022015). Collection method: clinical testing. Allele origin: germline.
Comment: This sequence change replaces arginine, which is basic and polar, with glutamine, which is neutral and polar, at codon 1201 of the SBF1 protein (p.Arg1201Gln). This variant is present in population databases (rs762918599, gnomAD 0.007%). This variant has not been reported in the literature in individuals affected with SBF1-related conditions. Algorithms developed to predict the effect of missense changes on protein structure and function (SIFT, PolyPhen-2, Align-GVGD) all suggest that this variant is likely to be tolerated. In summary, the available evidence is currently insufficient to determine the role of this variant in disease. Therefore, it has been classified as a Variant of Uncertain Significance.